The following is an entry in ClinVar:

ClinVar aggregate classification (germline): Pathogenic (1 of 4 stars; one submission).

Conditions:
COL4A1 or COL4A2-related cerebral small vessel disease. Identifiers: Orphanet 477759, MedGen C5680103, MONDO:0018788.

Submission:

Victorian Clinical Genetics Services, Murdoch Childrens Research Institute
Classification: Pathogenic for COL4A1 or COL4A2-related cerebral small vessel disease. Last evaluated: 2020-07-02. Review status: criteria provided, single submitter. Criteria: ACMG Guidelines, 2015. Collection method: clinical testing. Allele origin: germline. Inheritance: Autosomal dominant inheritance. Affected: yes.
Comment: Based on the classification scheme VCGS_Germline_v1.3.3, this variant is classified as Pathogenic. Following criteria are met: 0103 - Dominant negative and loss of function are known mechanisms of disease in this gene and are associated with COL4A1 -related disease (PMID: 27794444; 23065703). (I) 0107 - This gene is associated with autosomal dominant disease. (I) 0200 - Variant is predicted to result in a missense amino acid change from glycine to arginine. (I) 0251 - This variant is heterozygous. (I) 0301 - Variant is absent from gnomAD (both v2 and v3). (SP) 0501 - Missense variant consistently predicted to be damaging by multiple in silico tools or highly conserved with a major amino acid change. (SP) 0601 - Variant affects a glycine residue of the G-X-Y repeat in the well-established collagen triple helical domain (NCBI; PDB). (SP) 0705 - No comparable missense variants have previous evidence for pathogenicity. (I) 0807 - This variant has no previous evidence of pathogenicity. (I) 0905 - No published segregation evidence has been identified for this variant. (I) 1007 - No published functional evidence has been identified for this variant.

Literature cited by the submitters: PubMed 23065703; PubMed 27794444.

NM_001845.6(COL4A1):c.2626G>C (p.Gly876Arg)

Gene: COL4A1 (collagen type IV alpha 1 chain; minus strand). Cytogenetic location: 13q34.
Variant type: single nucleotide variant.
Coding change: c.2626G>C on transcript NM_001845.6 (MANE Select); coding-DNA position 2626, G replaced by C.
Protein change: p.Gly876Arg; replaces glycine 876 with arginine.
Molecular consequence: missense variant.
Genome position (GRCh38, 1-based): chr13:110,178,064, C>G on the plus strand (G>C on the coding strand, the complement: COL4A1 is on the minus strand). VCF-style: chr13-110178064-C-G. GRCh37 (hg19) VCF-style: chr13-110830411-C-G.
Other names: short protein forms G876R.
Identifiers: ClinVar variation 1805313 (VCV001805313.1), dbSNP rs2501780064, ClinGen allele CA388667710.